The following is an entry in ClinVar:

NM_001079858.3(ADGRG2):c.102G>A (p.Leu34=)

Gene: ADGRG2 (adhesion G protein-coupled receptor G2; minus strand). Cytogenetic location: Xp22.13.
Variant type: single nucleotide variant.
Coding change: c.102G>A on transcript NM_001079858.3 (MANE Select); coding-DNA position 102, G replaced by A.
Protein change: p.Leu34=; no amino-acid change (leucine 34 retained).
Molecular consequence: synonymous variant.
Genome position (GRCh38, 1-based): chrX:19,068,733, C>T on the plus strand (G>A on the coding strand, the complement: ADGRG2 is on the minus strand). VCF-style: chrX-19068733-C-T. GRCh37 (hg19) VCF-style: chrX-19086851-C-T.
Other names: c.102G>A, p.Leu34= (NM_001079859.3, NM_001079860.3, NM_001184833.2 and 5 more transcripts).
Identifiers: ClinVar variation 3034185 (VCV003034185.2), dbSNP rs144151035, ClinGen allele CA10362871.

ClinVar aggregate classification (germline): Likely benign (0 of 4 stars; one submission).

Conditions:
ADGRG2-related disorder. Also called: ADGRG2-related condition.

Allele frequency attached by ClinVar (database versions not stated): gnomAD exomes 0.00009; ExAC 0.00027; 1000 Genomes Project 0.00079; ESP Exome Variant Server 0.00095; gnomAD 0.00097; TOPMed 0.00120; 1000 Genomes Project 30x 0.00146.
gnomAD v4.1: 201 of 1,064,424 alleles (0.019%); highest among the groups gnomAD compares: African/African-American, 0.33%; 1 homozygote.

Submission:

PreventionGenetics, part of Exact Sciences
Classification: Likely benign for ADGRG2-related condition. Last evaluated: 2019-12-24. Review status: no assertion criteria provided. Collection method: clinical testing. Allele origin: germline.
Comment: This variant is classified as likely benign based on ACMG/AMP sequence variant interpretation guidelines (Richards et al. 2015 PMID: 25741868, with internal and published modifications).